The following is an entry in ClinVar:

NM_001271696.3(ABCB7):c.801G>T (p.Leu267Phe)

Gene: ABCB7 (ATP binding cassette subfamily B member 7; minus strand). Cytogenetic location: Xq13.3.
Variant type: single nucleotide variant.
Coding change: c.801G>T on transcript NM_001271696.3 (MANE Select); coding-DNA position 801, G replaced by T.
Protein change: p.Leu267Phe; replaces leucine 267 with phenylalanine.
Molecular consequence: missense variant.
Genome position (GRCh38, 1-based): chrX:75,075,416, C>A on the plus strand (G>T on the coding strand, the complement: ABCB7 is on the minus strand). VCF-style: chrX-75075416-C-A. GRCh37 (hg19) VCF-style: chrX-74295251-C-A.
Other names: c.681G>T, p.Leu227Phe (NM_001271697.3); c.723G>T, p.Leu241Phe (NM_001271698.3); c.684G>T, p.Leu228Phe (NM_001271699.3); c.804G>T, p.Leu268Phe (NM_004299.6); short protein forms L241F, L227F, L228F, L267F, L268F.
Identifiers: ClinVar variation 2814152 (VCV002814152.3), dbSNP rs2519829283, ClinGen allele CA413677205.
Genomic context (GRCh38, chrX:75,075,416, plus strand): 5'-ACTTACCAAAACACCACTGACAAGCATCACTTCAAACATGATGGGAAGAAGATTAAATAC[C>A]AAAGCACTCAGGACAAAACTGATACCCCTTGTTCCTCTGTCAATAGCCTTAGATAAAGCT-3'
Protein context (NP_001258625.1, residues 257-277): TRGISFVLSA[Leu267Phe]VFNLLPIMFE

ClinVar aggregate classification (germline): Uncertain significance (1 of 4 stars; one submission).

Submission:

Labcorp Genetics (formerly Invitae), Labcorp
Classification: Uncertain significance. Last evaluated: 2022-11-14. Review status: criteria provided, single submitter. Criteria: Invitae Variant Classification Sherloc (09022015). Collection method: clinical testing. Allele origin: germline.
Comment: This sequence change replaces leucine, which is neutral and non-polar, with phenylalanine, which is neutral and non-polar, at codon 268 of the ABCB7 protein (p.Leu268Phe). This variant is not present in population databases (gnomAD no frequency). This variant has not been reported in the literature in individuals affected with ABCB7-related conditions. Algorithms developed to predict the effect of missense changes on protein structure and function are either unavailable or do not agree on the potential impact of this missense change (SIFT: "Deleterious"; PolyPhen-2: "Probably Damaging"; Align-GVGD: "Class C0"). In summary, the available evidence is currently insufficient to determine the role of this variant in disease. Therefore, it has been classified as a Variant of Uncertain Significance.